The following is an entry in ClinVar:

NM_001692.4(ATP6V1B1):c.89C>T (p.Thr30Ile)

Gene: ATP6V1B1 (ATPase H+ transporting V1 subunit B1; plus strand). Cytogenetic location: 2p13.3.
Variant type: single nucleotide variant.
Coding change: c.89C>T on transcript NM_001692.4 (MANE Select); coding-DNA position 89, C replaced by T.
Protein change: p.Thr30Ile; replaces threonine 30 with isoleucine.
Molecular consequence: missense variant.
Genome position (GRCh38, 1-based): chr2:70,936,043, C>T. VCF-style: chr2-70936043-C-T. GRCh37 (hg19) VCF-style: chr2-71163173-C-T.
Other names: short protein forms T30I.
Identifiers: ClinVar variation 44231 (VCV000044231.27), dbSNP rs17720303, ClinGen allele CA133790.

ClinVar aggregate classification (germline): Benign/Likely benign. Review status: criteria provided, multiple submitters, no conflicts (2 of 4 stars). 12 submissions from 12 submitters: Benign (9); Likely benign (2). 1 of the submissions does not count toward it. Last evaluated 2026-02-04.

Conditions:
Renal tubular acidosis with progressive nerve deafness. Also called: Distal Renal Tubular Acidosis with Progressive Sensorineural Deafness; RENAL TUBULAR ACIDOSIS, AUTOSOMAL RECESSIVE, WITH PROGRESSIVE NERVE DEAFNESS; RTA WITH PROGRESSIVE NERVE DEAFNESS; renal tubular acidosis, distal, 2, with progressive sensorineural hearing loss. Identifiers: MedGen C0403554, MONDO:0009968, OMIM 267300.

Allele frequency attached by ClinVar (database versions not stated): ESP Exome Variant Server 0.15854; 1000 Genomes Project 0.15855; 1000 Genomes Project 30x 0.15912; gnomAD 0.16644 and 0.16695; gnomAD exomes 0.17149 and 0.18504; TOPMed 0.17578; ExAC 0.18017.
gnomAD v4.1: 276,608 of 1,613,698 alleles (17%); highest among the groups gnomAD compares: Admixed American, 25%; 24,255 homozygotes.

Submissions (12):

Labcorp Genetics (formerly Invitae), Labcorp
Classification: Benign. Last evaluated: 2026-02-04. Review status: criteria provided, single submitter. Criteria: Invitae Variant Classification Sherloc (09022015). Collection method: clinical testing. Allele origin: germline.

Blueprint Genetics
Classification: Benign. Last evaluated: 2024-11-26. Review status: criteria provided, single submitter. Criteria: ACMG Guidelines, 2015. Collection method: clinical testing. Allele origin: germline.

Mayo Clinic Laboratories, Mayo Clinic
Classification: Benign. Last evaluated: 2022-11-16. Review status: criteria provided, single submitter. Criteria: ACMG Guidelines, 2015. Collection method: clinical testing. Allele origin: germline. Observed: 123 variant alleles.
Comment: BA1, BP4

Women's Health and Genetics/Laboratory Corporation of America, LabCorp
Classification: Likely benign. Last evaluated: 2021-12-03. Review status: criteria provided, single submitter. Criteria: LabCorp Variant Classification Summary - May 2015. Collection method: clinical testing. Allele origin: germline.

Genome-Nilou Lab
Classification: Benign for Renal tubular acidosis with progressive nerve deafness. Last evaluated: 2021-07-10. Review status: criteria provided, single submitter. Criteria: ACMG Guidelines, 2015. Collection method: clinical testing. Allele origin: germline. Affected: no.

Illumina Laboratory Services, Illumina
Classification: Benign for Renal tubular acidosis with progressive nerve deafness. Last evaluated: 2018-01-13. Review status: criteria provided, single submitter. Criteria: ICSL Variant Classification Criteria 13 December 2019. Collection method: clinical testing. Allele origin: germline.
Comment: This variant was observed in the ICSL laboratory as part of a predisposition screen in an ostensibly healthy population. It had not been previously curated by ICSL or reported in the Human Gene Mutation Database (HGMD: prior to June 1st, 2018), and was therefore a candidate for classification through an automated scoring system. Utilizing variant allele frequency, disease prevalence and penetrance estimates, and inheritance mode, an automated score was calculated to assess if this variant is too frequent to cause the disease. Based on the score and internal cut-off values, a variant classified as benign is not then subjected to further curation. The score for this variant resulted in a classification of benign for this disease.

GeneDx
Classification: Benign. Last evaluated: 2017-05-09. Review status: criteria provided, single submitter. Criteria: GeneDx Variant Classification (06012015). Collection method: clinical testing. Allele origin: germline. Affected: yes.
Comment: This variant is considered likely benign or benign based on one or more of the following criteria: it is a conservative change, it occurs at a poorly conserved position in the protein, it is predicted to be benign by multiple in silico algorithms, and/or has population frequency not consistent with disease.

Eurofins Ntd Llc (ga)
Classification: Benign. Last evaluated: 2016-03-28. Review status: criteria provided, single submitter. Criteria: EGL Classification Definitions 2015. Collection method: clinical testing. Allele origin: germline. Observed: 1 variant allele, 1 heterozygote.

Laboratory for Molecular Medicine, Mass General Brigham Personalized Medicine
Classification: Benign. Last evaluated: 2012-05-07. Review status: criteria provided, single submitter. Criteria: LMM Criteria. Collection method: clinical testing. Allele origin: germline. Observed: 552 variant alleles.
Comment: Thr30Ile in Exon 01 of ATP6V1B1: This variant is not expected to have clinical s ignificance because it has been identified in 17.0% (1190/7020) of European Amer ican chromosomes from a broad population by the NHLBI Exome Sequencing Project (dbSNP rs17720303).

Breakthrough Genomics
Classification: Likely benign. Review status: criteria provided, single submitter. Criteria: ACMG Guidelines, 2015. Collection method: not provided. Allele origin: germline. Inheritance: Autosomal recessive inheritance. Affected: yes.

PreventionGenetics, part of Exact Sciences
Classification: Benign. Review status: criteria provided, single submitter. Criteria: ACMG Guidelines, 2015. Collection method: clinical testing. Allele origin: germline.

Natera, Inc.
Classification: Benign for Renal tubular acidosis with progressive nerve deafness. Last evaluated: 2020-09-16. Review status: no assertion criteria provided. Collection method: clinical testing. Allele origin: germline. Not counted in ClinVar's aggregate classification.